The following is an entry in ClinVar:

ClinVar aggregate classification (germline): Uncertain significance (1 of 4 stars; one submission).

Conditions:
DYRK1A-related intellectual disability syndrome (MRD7). Also called: DYRK1A Syndrome; Intellectual developmental disorder, autosomal dominant 7. Identifiers: Orphanet 464306, MedGen C5568143, MONDO:0013578, OMIM 614104.

Submission:

Institute of Human Genetics, University of Goettingen
Classification: Uncertain significance for DYRK1A-related intellectual disability syndrome. Last evaluated: 2026-07-29. Review status: criteria provided, single submitter. Criteria: ACMG Guidelines, 2015. Collection method: clinical testing. Allele origin: germline. Affected: yes. Observed: 1 variant allele, 1 heterozygote.
Comment: The NM_001347721.2(DYRK1A):c.1606_1607delGCinsAG (p.Ala536Ser) variant causes a missense change. Note: allele frequency estimates from gnomAD may be inaccurate for this variant type (MNP or indel longer than 3 bp) due to technology limitations. The variant is absent from the gnomAD population database at sites with sufficient sequencing coverage. No clinical diagnostic laboratories have submitted clinical-significance assessments for this variant to ClinVar. Other variants at the same amino acid position have been reported in ClinVar (not pathogenic): p.A536= (synonymous): Likely_benign (ClinVar Accession: VCV000759139.6); p.A536= (synonymous): Likely_benign (ClinVar Accession: VCV000385700.15); p.A536V: Benign (ClinVar Accession: VCV001439564.6). ACMG criteria used for classification: PM2_sup

NM_001347721.2(DYRK1A):c.1606_1607delinsAG (p.Ala536Ser)

Gene: DYRK1A (dual specificity tyrosine phosphorylation regulated kinase 1A; plus strand). Cytogenetic location: 21q22.13.
Variant type: Indel.
Coding change: c.1606_1607delinsAG on transcript NM_001347721.2 (MANE Select); coding-DNA positions 1606 to 1607, GC replaced by AG.
Protein change: p.Ala536Ser; replaces alanine 536 with serine.
Molecular consequence: missense variant. On other transcripts: intron variant (1).
Genome position (GRCh38, 1-based): chr21:37,506,185-37,506,186, GC replaced by AG. VCF-style: chr21-37506185-GC-AG. GRCh37 (hg19) VCF-style: chr21-38878488-GC-AG.
Other names: c.1606_1607delinsAG, p.Ala536Ser (NM_001347722.2, NM_130436.2); c.1519_1520delinsAG, p.Ala507Ser (NM_001347723.2); c.1633_1634delinsAG, p.Ala545Ser (NM_001396.5, NM_101395.2); c.1546+596_1546+597delinsAG (NM_130438.2); short protein forms A507S, A536S, A545S.
Identifiers: ClinVar variation 4890682 (VCV004890682.1).